The following is an entry in ClinVar:

NM_001352514.2(HLCS):c.1813C>T (p.Gln605Ter)

Gene: HLCS (holocarboxylase synthetase; minus strand). Cytogenetic location: 21q22.13.
Variant type: single nucleotide variant.
Coding change: c.1813C>T on transcript NM_001352514.2 (MANE Select); coding-DNA position 1813, C replaced by T.
Protein change: p.Gln605Ter; replaces glutamine 605 with a stop codon.
Molecular consequence: nonsense. On other transcripts: non-coding transcript variant (2).
Genome position (GRCh38, 1-based): chr21:36,896,939, G>A on the plus strand (C>T on the coding strand, the complement: HLCS is on the minus strand). VCF-style: chr21-36896939-G-A. GRCh37 (hg19) VCF-style: chr21-38269239-G-A.
Other names: c.1372C>T, p.Gln458Ter (NM_000411.8, NM_001242784.3, NM_001242785.2 and 4 more transcripts); short protein forms Q458*, Q605*.
Identifiers: ClinVar variation 5012924 (VCV005012924.1).
Genomic context (GRCh38, chr21:36,896,939, plus strand): 5'-TTGTGGGGGTCACTTCGGCAAACAAAATTACTTTCCCCAACTGCTTGGTCTGCAGATTTT[G>A]GCGATAGATCTCTAAGTTGAAATGTTCTGATGAGAAGGCCTCCATGTTGGTCACCACAGG-3'

ClinVar aggregate classification (germline): Pathogenic (1 of 4 stars; one submission).

Conditions:
Holocarboxylase synthetase deficiency. Also called: MULTIPLE CARBOXYLASE DEFICIENCY, EARLY ONSET. Identifiers: Orphanet 79242, MedGen C0268581, MONDO:0009666, OMIM 253270.

Submission:

Myriad Genetics, Inc.
Classification: Pathogenic for Holocarboxylase synthetase deficiency. Last evaluated: 2024-04-17. Review status: criteria provided, single submitter. Criteria: Myriad Autosomal Dominant, Autosomal Recessive and X-Linked Classification Criteria (2023). Collection method: clinical testing. Allele origin: unknown.
Comment: NM_000411.6(HLCS):c.1372C>T(Q458*) is expected to be pathogenic in the context of holocarboxylase synthetase deficiency. This variant is predicted to lead to an abnormal or absent protein product due to the creation of a premature termination codon in HLCS, a gene where loss-of-function variants are known to be pathogenic. Please note: this variant was assessed in the context of healthy population screening.